The following is an entry in ClinVar:

ClinVar aggregate classification (germline): Uncertain significance. Review status: criteria provided, multiple submitters, no conflicts (2 of 4 stars). 2 submissions from 2 submitters: Uncertain significance (2). Last evaluated 2025-07-14.

Conditions:
Inborn genetic diseases. Identifiers: MedGen C0950123, MeSH D030342.

gnomAD v4.1: 1 of 1,609,256 alleles (0.000062%); highest among the groups gnomAD compares: Non-Finnish European, 0.000085%; no homozygotes.

Submissions (2):

Ambry Genetics
Classification: Uncertain significance for Inborn genetic diseases. Last evaluated: 2025-07-14. Review status: criteria provided, single submitter. Criteria: Ambry Variant Classification Scheme 2023. Collection method: clinical testing. Allele origin: germline.

Labcorp Genetics (formerly Invitae), Labcorp
Classification: Uncertain significance. Last evaluated: 2023-08-17. Review status: criteria provided, single submitter. Criteria: Invitae Variant Classification Sherloc (09022015). Collection method: clinical testing. Allele origin: germline.
Comment: This sequence change replaces serine, which is neutral and polar, with asparagine, which is neutral and polar, at codon 6225 of the ADGRV1 protein (p.Ser6225Asn). In summary, the available evidence is currently insufficient to determine the role of this variant in disease. Therefore, it has been classified as a Variant of Uncertain Significance. An algorithm developed to predict the effect of missense changes on protein structure and function (PolyPhen-2) suggests that this variant is likely to be disruptive. ClinVar contains an entry for this variant (Variation ID: 2063781). This variant has not been reported in the literature in individuals affected with ADGRV1-related conditions. This variant is not present in population databases (gnomAD no frequency).

NM_032119.4(ADGRV1):c.18674G>A (p.Ser6225Asn)

Gene: ADGRV1 (adhesion G protein-coupled receptor V1; plus strand). Cytogenetic location: 5q14.3.
Variant type: single nucleotide variant.
Coding change: c.18674G>A on transcript NM_032119.4 (MANE Select); coding-DNA position 18674, G replaced by A.
Protein change: p.Ser6225Asn; replaces serine 6225 with asparagine.
Molecular consequence: missense variant. On other transcripts: non-coding transcript variant (1).
Genome position (GRCh38, 1-based): chr5:91,153,270, G>A. VCF-style: chr5-91153270-G-A. GRCh37 (hg19) VCF-style: chr5-90449087-G-A.
Other names: c.18674G>A (NM_032119.3); short protein forms S6225N.
Identifiers: ClinVar variation 2063781 (VCV002063781.5), dbSNP rs1796208718, ClinGen allele CA360432543.
Genomic context (GRCh38, chr5:91,153,270, plus strand): 5'-AATCTAAAAAGGTGCCACCTGACTGGGAGAGAGCATCCTTCCAACAGGGCAGTCAGGCCA[G>A]CCCTGATTTAAAGCCAAGTCCACAAAATGGAGCCACGTTCCCGTCCTCTGGAGGATATGG-3'
Protein context (NP_115495.3, residues 6215-6235): RASFQQGSQA[Ser6225Asn]PDLKPSPQNG